The following is an entry in ClinVar:

NM_002335.4(LRP5):c.551G>A (p.Ser184Asn)

Gene: LRP5 (LDL receptor related protein 5; plus strand). Cytogenetic location: 11q13.2.
Variant type: single nucleotide variant.
Coding change: c.551G>A on transcript NM_002335.4 (MANE Select); coding-DNA position 551, G replaced by A.
Protein change: p.Ser184Asn; replaces serine 184 with asparagine.
Molecular consequence: missense variant. On other transcripts: 5 prime UTR variant (1).
Genome position (GRCh38, 1-based): chr11:68,357,712, G>A. VCF-style: chr11-68357712-G-A. GRCh37 (hg19) VCF-style: chr11-68125180-G-A.
Other names: c.-1215G>A (NM_001291902.2); c.551G>A (NM_002335.2); short protein forms S184N.
Identifiers: ClinVar variation 1702027 (VCV001702027.9), dbSNP rs142649952, ClinGen allele CA6149048.
Genomic context (GRCh38, chr11:68,357,712, plus strand): 5'-ACATGTACTGGACAGACTGGGGTGAGACGCCCCGGATTGAGCGGGCAGGGATGGATGGCA[G>A]CACCCGGAAGATCATTGTGGACTCGGACATTTACTGGCCCAATGGACTGACCATCGACCT-3'
Protein context (NP_002326.2, residues 174-194): PRIERAGMDG[Ser184Asn]TRKIIVDSDI

ClinVar aggregate classification (germline): Uncertain significance. Review status: criteria provided, multiple submitters, no conflicts (2 of 4 stars). 5 submissions from 5 submitters: Uncertain significance (5). Last evaluated 2025-09-13.

Conditions:
Osteogenesis imperfecta (OI). Identifiers: Orphanet 666, MedGen C0029434, MeSH D010013, MONDO:0019019.
Polycystic liver disease 4 with or without kidney cysts. Identifiers: MedGen C4693479, MONDO:0044327, OMIM 617875.
Autosomal dominant osteopetrosis 1 (OPTA1). Also called: OSTEOPETROSIS, AUTOSOMAL DOMINANT, TYPE I. Identifiers: Orphanet 2783, MedGen C1843330, MONDO:0011877, OMIM 607634.
Osteoporosis with pseudoglioma (OPPG). Also called: osteoporosis-pseudoglioma syndrome. Identifiers: Orphanet 2788, MedGen C0432252, MONDO:0009820, OMIM 259770.
Bone mineral density quantitative trait locus 1 (BMND1). Identifiers: MedGen C1866079, OMIM 601884.
Exudative vitreoretinopathy 4 (EVR4). Identifiers: Orphanet 891, MedGen C1866176, MONDO:0011151, OMIM 601813.
Worth disease. Also called: OSTEOSCLEROSIS, AUTOSOMAL DOMINANT; Autosomal dominant osteosclerosis, Worth type; ENDOSTEAL HYPEROSTOSIS, AUTOSOMAL DOMINANT. Identifiers: Orphanet 2790, MedGen C0432273, MONDO:0007764, OMIM 144750.
LRP5-related disorder. Also called: LRP5-related condition.
Inborn genetic diseases. Identifiers: MedGen C0950123, MeSH D030342.

Allele frequency attached by ClinVar (database versions not stated): gnomAD exomes 0.00001 and 0.00002; ExAC 0.00003; gnomAD 0.00005 and 0.00008; TOPMed 0.00005; ESP Exome Variant Server 0.00015.
gnomAD v4.1: 20 of 1,614,032 alleles (0.0012%); highest among the groups gnomAD compares: African/African-American, 0.008%; no homozygotes.

Submissions (5):

Labcorp Genetics (formerly Invitae), Labcorp
Classification: Uncertain significance. Last evaluated: 2025-09-13. Review status: criteria provided, single submitter. Criteria: Invitae Variant Classification Sherloc (09022015). Collection method: clinical testing. Allele origin: germline.
Comment: This sequence change replaces serine, which is neutral and polar, with asparagine, which is neutral and polar, at codon 184 of the LRP5 protein (p.Ser184Asn). This variant is present in population databases (rs142649952, gnomAD 0.008%). This variant has not been reported in the literature in individuals affected with LRP5-related conditions. ClinVar contains an entry for this variant (Variation ID: 1702027). Invitae Evidence Modeling of protein sequence and biophysical properties (such as structural, functional, and spatial information, amino acid conservation, physicochemical variation, residue mobility, and thermodynamic stability) has been performed for this missense variant. However, the output from this modeling did not meet the statistical confidence thresholds required to predict the impact of this variant on LRP5 protein function. In summary, the available evidence is currently insufficient to determine the role of this variant in disease. Therefore, it has been classified as a Variant of Uncertain Significance.

PreventionGenetics, part of Exact Sciences
Classification: Uncertain significance for LRP5-related condition. Last evaluated: 2025-05-15. Review status: criteria provided, single submitter. Criteria: ACMG Guidelines, 2015. Collection method: clinical testing. Allele origin: germline.
Comment: The LRP5 c.551G>A variant is predicted to result in the amino acid substitution p.Ser184Asn. To our knowledge, this variant has not been reported in the literature. This variant is reported in 0.0080% of alleles in individuals of African descent in gnomAD. At this time, the clinical significance of this variant is uncertain due to the absence of conclusive functional and genetic evidence.

Fulgent Genetics
Classification: Uncertain significance for Worth disease; Osteoporosis with pseudoglioma; Exudative vitreoretinopathy 4; Bone mineral density quantitative trait locus 1; Autosomal dominant osteopetrosis 1; Polycystic liver disease 4 with or without kidney cysts. Last evaluated: 2024-01-08. Review status: criteria provided, single submitter. Criteria: ACMG Guidelines, 2015. Collection method: clinical testing. Allele origin: germline.

Ambry Genetics
Classification: Uncertain significance for Inborn genetic diseases. Last evaluated: 2022-12-28. Review status: criteria provided, single submitter. Criteria: Ambry Variant Classification Scheme 2023. Collection method: clinical testing. Allele origin: germline.

Genome Diagnostics Laboratory, The Hospital for Sick Children
Classification: Uncertain significance for Osteogenesis imperfecta. Last evaluated: 2019-01-01. Review status: criteria provided, single submitter. Criteria: ACMG Guidelines, 2015. Collection method: clinical testing. Allele origin: germline.